The following is an entry in ClinVar:

ClinVar aggregate classification (germline): Conflicting classifications of pathogenicity. Review status: criteria provided, conflicting classifications (1 of 4 stars). 3 submissions from 3 submitters: Uncertain significance (2); Likely benign (1). Last evaluated 2025-03-07.

Conditions:
Inborn genetic diseases. Identifiers: MedGen C0950123, MeSH D030342.
Bartter disease type 3. Also called: Bartter syndrome type 3. Identifiers: Orphanet 112, Orphanet 93605, MedGen C1846343, MONDO:0011822, OMIM 607364.
Bartter disease type 4B. Also called: BARTTER SYNDROME, TYPE 4B, NEONATAL, WITH SENSORINEURAL DEAFNESS; Bartter syndrome, type 4b, digenic; BARTTER SYNDROME, TYPE 4B. Identifiers: Orphanet 112, MedGen C4310805, MONDO:0000909, OMIM 613090.

Allele frequency attached by ClinVar (database versions not stated): 1000 Genomes Project 0.00020; 1000 Genomes Project 30x 0.00031.

Submissions (3):

Ambry Genetics
Classification: Likely benign for Inborn genetic diseases. Last evaluated: 2025-03-07. Review status: criteria provided, single submitter. Criteria: Ambry Variant Classification Scheme 2023. Collection method: clinical testing. Allele origin: germline.

Fulgent Genetics
Classification: Uncertain significance for Bartter disease type 3; Bartter disease type 4B. Last evaluated: 2024-04-08. Review status: criteria provided, single submitter. Criteria: ACMG Guidelines, 2015. Collection method: clinical testing. Allele origin: germline.

Labcorp Genetics (formerly Invitae), Labcorp
Classification: Uncertain significance. Last evaluated: 2022-08-19. Review status: criteria provided, single submitter. Criteria: Invitae Variant Classification Sherloc (09022015). Collection method: clinical testing. Allele origin: germline.
Comment: In summary, the available evidence is currently insufficient to determine the role of this variant in disease. Therefore, it has been classified as a Variant of Uncertain Significance. Algorithms developed to predict the effect of missense changes on protein structure and function (SIFT, PolyPhen-2, Align-GVGD) all suggest that this variant is likely to be tolerated. This sequence change replaces glycine, which is neutral and non-polar, with serine, which is neutral and polar, at codon 541 of the CLCNKB protein (p.Gly541Ser). This variant has not been reported in the literature in individuals affected with CLCNKB-related conditions. This variant is present in population databases (rs561674468, gnomAD 0.03%).

NM_000085.5(CLCNKB):c.1621G>A (p.Gly541Ser)

Genes: CLCNKB (chloride voltage-gated channel Kb; plus strand), LOC106501713 (CLCNKB recombination region; plus strand). Cytogenetic location: 1p36.13.
Variant type: single nucleotide variant.
Coding change: c.1621G>A on transcript NM_000085.5 (MANE Select); coding-DNA position 1621, G replaced by A.
Protein change: p.Gly541Ser; replaces glycine 541 with serine.
Molecular consequence: missense variant.
Genome position (GRCh38, 1-based): chr1:16,052,410, G>A. VCF-style: chr1-16052410-G-A. GRCh37 (hg19) VCF-style: chr1-16378905-G-A.
Other names: c.1114G>A, p.Gly372Ser (NM_001165945.2); c.1621G>A (NM_000085.3); short protein forms G372S, G541S.
Identifiers: ClinVar variation 2416771 (VCV002416771.7), dbSNP rs561674468, ClinGen allele CA623936.